The following is an entry in ClinVar:

ClinVar aggregate classification (germline): Likely pathogenic (1 of 4 stars; one submission).

Conditions:
Dilated cardiomyopathy 1G (CMD1G). Identifiers: Orphanet 154, MedGen C1858763, MONDO:0011400, OMIM 604145.
Autosomal recessive limb-girdle muscular dystrophy type 2J (LGMDR10). Also called: Limb-girdle muscular dystrophy, type 2J; MUSCULAR DYSTROPHY, LIMB-GIRDLE, AUTOSOMAL RECESSIVE 10. Identifiers: Orphanet 140922, MedGen C1837342, MONDO:0012127, OMIM 608807.

Submission:

Labcorp Genetics (formerly Invitae), Labcorp
Classification: Likely pathogenic for Dilated cardiomyopathy 1G; Autosomal recessive limb-girdle muscular dystrophy type 2J. Last evaluated: 2020-12-05. Review status: criteria provided, single submitter. Criteria: Invitae Variant Classification Sherloc (09022015). Collection method: clinical testing. Allele origin: germline.
Comment: In summary, the currently available evidence indicates that the variant is pathogenic, but additional data are needed to prove that conclusively. Therefore, this variant has been classified as Likely Pathogenic. This variant is located in the A band of TTN (PMID: 25589632). Truncating variants in this region are significantly overrepresented in patients affected with dilated cardiomyopathy (PMID: 25589632). Truncating variants in this region have also been reported in individuals affected with autosomal recessive centronuclear myopathy (PMID: 23975875). This variant has not been reported in the literature in individuals with TTN-related conditions. This variant is not present in population databases (ExAC no frequency). This sequence change results in a premature translational stop signal in the TTN gene (p.Ser23856Metfs*12). While this is not anticipated to result in nonsense mediated decay, it is expected to create a truncated TTN protein.

Literature cited by the submitters: PubMed 25589632; PubMed 23975875.

NM_001267550.2(TTN):c.71542_71564dup (p.Ser23856fs)

Genes: TTN-AS1 (TTN antisense RNA 1; plus strand), TTN (titin; minus strand). Cytogenetic location: 2q31.2.
Variant type: Duplication.
Coding change: c.71542_71564dup on transcript NM_001267550.2 (MANE Select); coding-DNA positions 71542 to 71564, 23 bases duplicated (CATGAGCCACTTTCTGATGGTGG).
Protein change: p.Ser23856fs; shifts the reading frame from serine 23856.
Molecular consequence: frameshift variant.
Genome position (GRCh38, 1-based): chr2:178,574,568-178,574,590, CCACCATCAGAAAGTGGCTCATG duplicated on the plus strand (CATGAGCCACTTTCTGATGGTGG on the coding strand, the reverse complement: TTN is on the minus strand); duplicating any 23 consecutive bases within chr2:178,574,568-178,574,593 gives the same sequence; the c. name uses the placement nearest the transcript's 3' end. VCF-style (leftmost placement, unchanged base first): chr2-178574567-T-TCCACCATCAGAAAGTGGCTCATG. GRCh37 (hg19) VCF-style: chr2-179439294-T-TCCACCATCAGAAAGTGGCTCATG.
Other names: c.66619_66641dup, p.Ser22215fs (NM_001256850.1); c.44347_44369dup, p.Ser14791fs (NM_003319.4); c.63838_63860dup, p.Ser21288fs (NM_133378.4); c.44722_44744dup, p.Ser14916fs (NM_133432.3); c.44923_44945dup, p.Ser14983fs (NM_133437.4); short protein forms S14791fs, S14916fs, S14983fs, S21288fs, S22215fs, S23856fs.
Identifiers: ClinVar variation 1066616 (VCV001066616.9), dbSNP rs2154171645, ClinGen allele CA2499215377.